The following is an entry in ClinVar:

NM_014489.4(PGAP2):c.349-238G>A

Gene: PGAP2 (post-GPI attachment to proteins 2; plus strand). Cytogenetic location: 11p15.4.
Variant type: single nucleotide variant.
Coding change: c.349-238G>A on transcript NM_014489.4 (MANE Select); 238 bases into the intron before coding-DNA position 349, G replaced by A.
Molecular consequence: intron variant. On other transcripts: 5 prime UTR variant (1), missense variant (2), non-coding transcript variant (2).
Genome position (GRCh38, 1-based): chr11:3,823,645, G>A. VCF-style: chr11-3823645-G-A. GRCh37 (hg19) VCF-style: chr11-3844875-G-A.
Other names: c.-8G>A (NM_001283039.2); c.80G>A, p.Gly27Asp (NM_001346399.2, NM_001346401.2); c.220-238G>A (NM_001256235.2); c.162-625G>A (NM_001283040.1); c.319-238G>A (NM_001346397.2); c.349-238G>A (NM_001256236.2, NM_001346403.1); c.286-238G>A (NM_001346402.2); c.166-238G>A (NM_001256237.2, NM_001283038.2, NM_001145438.3 and 7 more transcripts); short protein forms G27D, G65D.
Identifiers: ClinVar variation 4882625 (VCV004882625.2).

ClinVar aggregate classification (germline): Uncertain significance (1 of 4 stars; one submission).

Conditions:
Hyperphosphatasia with impaired intellectual development syndrome 3. Also called: GLYCOSYLPHOSPHATIDYLINOSITOL BIOSYNTHESIS DEFECT 8; Hyperphosphatasia with intellectual disability syndrome 3. Identifiers: Orphanet 247262, MedGen C3280153, MONDO:0013628, OMIM 614207.

gnomAD v4.1: 25 of 1,540,672 alleles (0.0016%); highest among the groups gnomAD compares: African/African-American, 0.019%; no homozygotes.

Submission:

Dasa
Classification: Uncertain significance for Hyperphosphatasia with impaired intellectual development syndrome 3. Last evaluated: 2025-08-01. Review status: criteria provided, single submitter. Criteria: DASA Assertion Criteria. Collection method: clinical testing. Allele origin: germline.
Comment: NM_001283039.1(PGAP2):c.194G>A (p.Gly65Asp) is a missense variant that results in the substitution of glycine with aspartic acid. This variant is rare in population databases. Computational prediction algorithms are consistent with a benign effect. The currently available literature and clinical evidence are not sufficient to establish a definitive association between this variant and the reported condition. Therefore, this variant is classified as a variant of uncertain significance.